The following is an entry in ClinVar:

ClinVar aggregate classification (germline): Uncertain significance (1 of 4 stars; one submission).

Allele frequency attached by ClinVar (database versions not stated): gnomAD 0.00001; gnomAD exomes 0.00001; TOPMed 0.00001.

Submission:

Labcorp Genetics (formerly Invitae), Labcorp
Classification: Uncertain significance. Last evaluated: 2024-12-25. Review status: criteria provided, single submitter. Criteria: Invitae Variant Classification Sherloc (09022015). Collection method: clinical testing. Allele origin: germline.
Comment: This sequence change replaces alanine, which is neutral and non-polar, with glutamic acid, which is acidic and polar, at codon 35 of the FOXI3 protein (p.Ala35Glu). The frequency data for this variant in the population databases is considered unreliable, as metrics indicate insufficient coverage at this position in the gnomAD database. This variant has not been reported in the literature in individuals affected with FOXI3-related conditions. ClinVar contains an entry for this variant (Variation ID: 3020891). An algorithm developed to predict the effect of missense changes on protein structure and function outputs the following: PolyPhen-2: "Not Available". The glutamic acid amino acid residue is found in multiple mammalian species, which suggests that this missense change does not adversely affect protein function. In summary, the available evidence is currently insufficient to determine the role of this variant in disease. Therefore, it has been classified as a Variant of Uncertain Significance.

NM_001135649.3(FOXI3):c.104C>A (p.Ala35Glu)

Gene: FOXI3 (forkhead box I3; minus strand). Cytogenetic location: 2p11.2.
Variant type: single nucleotide variant.
Coding change: c.104C>A on transcript NM_001135649.3 (MANE Select); coding-DNA position 104, C replaced by A.
Protein change: p.Ala35Glu; replaces alanine 35 with glutamic acid.
Molecular consequence: missense variant.
Genome position (GRCh38, 1-based): chr2:88,452,432, G>T on the plus strand (C>A on the coding strand, the complement: FOXI3 is on the minus strand). VCF-style: chr2-88452432-G-T. GRCh37 (hg19) VCF-style: chr2-88751950-G-T.
Other names: short protein forms A35E.
Identifiers: ClinVar variation 3020891 (VCV003020891.3), dbSNP rs1676070044, ClinGen allele CA347767050.